The following is an entry in ClinVar:

ClinVar aggregate classification (germline): not provided (0 of 4 stars; one submission).

Submission:

ITMI
No classification provided. Condition: AllHighlyPenetrant. Last evaluated: 2013-09-19. Review status: no classification provided. Collection method: reference population. Allele origin: germline.
Comment: Please see associated publication for description of ethnicities

Literature cited by the submitters: PubMed 24728327.

NM_207122.2(EXT2):c.423C>G (p.Asp141Glu)

Gene: EXT2 (exostosin glycosyltransferase 2; plus strand). Cytogenetic location: 11p11.2.
Variant type: single nucleotide variant.
Coding change: c.423C>G on transcript NM_207122.2 (MANE Select); coding-DNA position 423, C replaced by G.
Protein change: p.Asp141Glu; replaces aspartic acid 141 with glutamic acid.
Molecular consequence: missense variant.
Genome position (GRCh38, 1-based): chr11:44,108,135, C>G. VCF-style: chr11-44108135-C-G. GRCh37 (hg19) VCF-style: chr11-44129685-C-G.
Other names: c.522C>G, p.Asp174Glu (NM_000401.3); c.423C>G, p.Asp141Glu (NM_001178083.3, NM_001389628.1, NM_001389630.1); short protein forms D141E, D174E.
Identifiers: ClinVar variation 134210 (VCV000134210.1), dbSNP rs199916419, ClinGen allele CA159141.